The following is an entry in ClinVar:

NM_006852.6(TLK2):c.1860G>A (p.Trp620Ter)

Gene: TLK2 (tousled like kinase 2; plus strand). Cytogenetic location: 17q23.2.
Variant type: single nucleotide variant.
Coding change: c.1860G>A on transcript NM_006852.6 (MANE Select); coding-DNA position 1860, G replaced by A.
Protein change: p.Trp620Ter; replaces tryptophan 620 with a stop codon.
Molecular consequence: nonsense.
Genome position (GRCh38, 1-based): chr17:62,606,130, G>A. VCF-style: chr17-62606130-G-A. GRCh37 (hg19) VCF-style: chr17-60683491-G-A.
Other names: c.1926G>A, p.Trp642Ter (NM_001284333.3); c.1764G>A, p.Trp588Ter (NM_001284363.1, NM_001375272.1); c.1413G>A, p.Trp471Ter (NM_001330418.3, NM_001375273.1); c.1902G>A, p.Trp634Ter (NM_001375269.1); c.1860G>A, p.Trp620Ter (NM_001375270.1, NM_001375271.1); short protein forms W620*, W642*, W471*, W588*, W634*.
Identifiers: ClinVar variation 620322 (VCV000620322.1), dbSNP rs1568014839, ClinGen allele CA400514016.

ClinVar aggregate classification (germline): Likely pathogenic (1 of 4 stars; one submission).

Submission:

GeneDx
Classification: Likely pathogenic. Last evaluated: 2018-09-04. Review status: criteria provided, single submitter. Criteria: GeneDx Variant Classification (06012015). Collection method: clinical testing. Allele origin: germline. Affected: yes.
Comment: The W620X variant in the TLK2 gene has not been reported previously as a pathogenic variant nor as a benign variant, to our knowledge. This variant is predicted to cause loss of normal protein function either through protein truncation or nonsense-mediated mRNA decay. The W620X variant is not observed in large population cohorts (Lek et al., 2016). We interpret W620X as a likely pathogenic variant.